The following is an entry in ClinVar:

ClinVar aggregate classification (germline): Uncertain significance (1 of 4 stars; one submission).

Conditions:
Catecholaminergic polymorphic ventricular tachycardia (CVPT). Also called: Catecholamine-induced polymorphic ventricular tachycardia. Identifiers: Orphanet 3286, MedGen C5574922, MONDO:0017990.

Allele frequency attached by ClinVar (database versions not stated): gnomAD exomes below 0.00001; ExAC 0.00001.
gnomAD v4.1: 2 of 1,600,930 alleles (0.00012%); highest among the groups gnomAD compares: East Asian, 0.0022%; no homozygotes.

Submission:

All of Us Research Program, National Institutes of Health
Classification: Uncertain significance for Catecholaminergic polymorphic ventricular tachycardia. Last evaluated: 2023-05-08. Review status: criteria provided, single submitter. Criteria: ACMG Guidelines, 2015. Collection method: clinical testing. Allele origin: germline. Inheritance: Autosomal dominant inheritance. Observed: 1 variant allele, 1 heterozygote.
Comment: This study involves interpretation of variants in research participants for the purpose of population health screening. Participant phenotype was not available at the time of variant classification. Additional details can be found in publication PMID: 35346344, PMCID: PMC8962531

NM_001035.3(RYR2):c.9335T>C (p.Ile3112Thr)

Gene: RYR2 (ryanodine receptor 2; plus strand). Cytogenetic location: 1q43.
Variant type: single nucleotide variant.
Coding change: c.9335T>C on transcript NM_001035.3 (MANE Select); coding-DNA position 9335, T replaced by C.
Protein change: p.Ile3112Thr; replaces isoleucine 3112 with threonine.
Molecular consequence: missense variant.
Genome position (GRCh38, 1-based): chr1:237,700,435, T>C. VCF-style: chr1-237700435-T-C. GRCh37 (hg19) VCF-style: chr1-237863735-T-C.
Other names: short protein forms I3112T.
Identifiers: ClinVar variation 3070926 (VCV003070926.1), dbSNP rs776735990, ClinGen allele CA087859.